The following is an entry in ClinVar:

NM_031935.3(HMCN1):c.50A>T (p.Tyr17Phe)

Gene: HMCN1 (hemicentin 1; plus strand). Cytogenetic location: 1q25.3.
Variant type: single nucleotide variant.
Coding change: c.50A>T on transcript NM_031935.3 (MANE Select); coding-DNA position 50, A replaced by T.
Protein change: p.Tyr17Phe; replaces tyrosine 17 with phenylalanine.
Molecular consequence: missense variant.
Genome position (GRCh38, 1-based): chr1:185,734,829, A>T. VCF-style: chr1-185734829-A-T. GRCh37 (hg19) VCF-style: chr1-185703961-A-T.
Other names: short protein forms Y17F.
Identifiers: ClinVar variation 2693646 (VCV002693646.3), dbSNP rs375537965, ClinGen allele CA344057964.

ClinVar aggregate classification (germline): Uncertain significance (1 of 4 stars; one submission).

Submission:

Labcorp Genetics (formerly Invitae), Labcorp
Classification: Uncertain significance. Last evaluated: 2023-12-14. Review status: criteria provided, single submitter. Criteria: Invitae Variant Classification Sherloc (09022015). Collection method: clinical testing. Allele origin: germline.
Comment: This sequence change replaces tyrosine, which is neutral and polar, with phenylalanine, which is neutral and non-polar, at codon 17 of the HMCN1 protein (p.Tyr17Phe). This variant is not present in population databases (gnomAD no frequency). This variant has not been reported in the literature in individuals affected with HMCN1-related conditions. An algorithm developed to predict the effect of missense changes on protein structure and function (PolyPhen-2) suggests that this variant is likely to be tolerated. In summary, the available evidence is currently insufficient to determine the role of this variant in disease. Therefore, it has been classified as a Variant of Uncertain Significance.